The following is an entry in ClinVar:

ClinVar aggregate classification (germline): Conflicting classifications of pathogenicity. Review status: criteria provided, conflicting classifications (1 of 4 stars). 2 submissions from 2 submitters: Uncertain significance (1); Likely benign (1). Last evaluated 2019-07-26.

Conditions:
Hereditary breast ovarian cancer syndrome. Also called: Hereditary breast and ovarian cancer; Hereditary breast and ovarian cancer syndrome; Hereditary breast and ovarian cancer syndrome (HBOC); Breast and ovarian cancer; BRCA1- and BRCA2-Associated Hereditary Breast and Ovarian Cancer; Hereditary breast and/or ovarian cancer syndrome. Identifiers: Orphanet 145, MedGen C0677776, MeSH D061325, MONDO:0003582. Disease mechanism: loss of function.
Hereditary cancer-predisposing syndrome. Also called: Tumor predisposition; Neoplastic Syndromes, Hereditary; Hereditary Cancer Syndrome; Hereditary neoplastic syndrome. Identifiers: Orphanet 140162, MedGen C0027672, MeSH D009386, MONDO:0015356.

Submissions (3):

Ambry Genetics
Classification: Likely benign for Hereditary cancer-predisposing syndrome. Last evaluated: 2019-07-26. Review status: criteria provided, single submitter. Criteria: Ambry Variant Classification Scheme 2023. Collection method: clinical testing. Allele origin: germline.

Labcorp Genetics (formerly Invitae), Labcorp
Classification: Uncertain significance for Hereditary breast ovarian cancer syndrome. Last evaluated: 2018-05-10. Review status: criteria provided, single submitter. Criteria: Invitae Variant Classification Sherloc (09022015). Collection method: clinical testing. Allele origin: germline.
Comment: In summary, the available evidence is currently insufficient to determine the role of this variant in disease. Therefore, it has been classified as a Variant of Uncertain Significance. Algorithms developed to predict the effect of missense changes on protein structure and function output the following: SIFT: "Tolerated"; PolyPhen-2: "Benign"; Align-GVGD: "Class C0". The leucine amino acid residue is found in multiple mammalian species, suggesting that this missense change does not adversely affect protein function. These predictions have not been confirmed by published functional studies and their clinical significance is uncertain. This variant has not been reported in the literature in individuals with BRCA1-related disease. This variant is not present in population databases (ExAC no frequency). This sequence change replaces methionine with leucine at codon 1652 of the BRCA1 protein (p.Met1652Leu). The methionine residue is moderately conserved and there is a small physicochemical difference between methionine and leucine.

Brotman Baty Institute, University of Washington
No classification provided (evidence only). Condition: Breast-ovarian cancer, familial 1. Review status: no classification provided. Collection method: in vitro. Allele origin: not applicable. Functional consequence: functionally_normal. Not counted in ClinVar's aggregate classification.
ClinVar note: "not provided" was previously submitted as the classification for the variant. However, the classification appeared to be based only on an observation of functional data so it was converted to no classification on 2025-07-30.

Literature cited by the submitters: PubMed 30209399 (cited by Ambry Genetics).

NM_007294.4(BRCA1):c.4954A>T (p.Met1652Leu)

Gene: BRCA1 (BRCA1 DNA repair associated; minus strand). Cytogenetic location: 17q21.31.
Variant type: single nucleotide variant.
Coding change: c.4954A>T on transcript NM_007294.4 (MANE Select); coding-DNA position 4954, A replaced by T.
Protein change: p.Met1652Leu; replaces methionine 1652 with leucine.
Molecular consequence: missense variant. On other transcripts: non-coding transcript variant (1).
Genome position (GRCh38, 1-based): chr17:43,070,960, T>A on the plus strand (A>T on the coding strand, the complement: BRCA1 is on the minus strand). VCF-style: chr17-43070960-T-A. GRCh37 (hg19) VCF-style: chr17-41222977-T-A.
Other names: c.4741A>T, p.Met1581Leu (NM_001407571.1, NM_001407894.1, NM_001407895.1 and 12 more transcripts); c.5020A>T, p.Met1674Leu (NM_001407581.1, NM_001407582.1); c.5017A>T, p.Met1673Leu (NM_001407583.1, NM_001407585.1, NM_001407587.1 and 1 more transcripts); c.5014A>T, p.Met1672Leu (NM_001407590.1, NM_001407591.1); c.4954A>T, p.Met1652Leu (NM_001407593.1, NM_001407594.1, NM_001407596.1 and 8 more transcripts); c.4951A>T, p.Met1651Leu (NM_001407616.1, NM_001407617.1, NM_001407618.1 and 17 more transcripts); c.4948A>T, p.Met1650Leu (NM_001407635.1, NM_001407636.1, NM_001407637.1 and 14 more transcripts); c.4945A>T, p.Met1649Leu (NM_001407644.1, NM_001407645.1); and 70 more; short protein forms M1652L, M1673L, M548L, M1605L, M1498L, M1524L, M1539L, M1540L.
Identifiers: ClinVar variation 573569 (VCV000573569.16), dbSNP rs1348949389, ClinGen allele CA10591614.